The following is an entry in ClinVar:

NM_000282.4(PCCA):c.945G>A (p.Ala315=)

Gene: PCCA (propionyl-CoA carboxylase subunit alpha; plus strand). Cytogenetic location: 13q32.3.
Variant type: single nucleotide variant.
Coding change: c.945G>A on transcript NM_000282.4 (MANE Select); coding-DNA position 945, G replaced by A.
Protein change: p.Ala315=; no amino-acid change (alanine 315 retained).
Molecular consequence: synonymous variant. On other transcripts: 5 prime UTR variant (3), non-coding transcript variant (5).
Genome position (GRCh38, 1-based): chr13:100,273,226, G>A. VCF-style: chr13-100273226-G-A. GRCh37 (hg19) VCF-style: chr13-100925480-G-A.
Other names: p.Ala315=; c.867G>A, p.Ala289= (NM_001127692.3, NM_001352607.2, NM_001352608.2); c.945G>A, p.Ala315= (NM_001178004.2, NM_001352605.2, NM_001352606.2 and 1 more transcripts); c.-1G>A (NM_001352610.2, NM_001352611.2, NM_001352612.2).
Identifiers: ClinVar variation 736130 (VCV000736130.17), dbSNP rs373115130, ClinGen allele CA7033461.

ClinVar aggregate classification (germline): Conflicting classifications of pathogenicity. Review status: criteria provided, conflicting classifications (1 of 4 stars). 4 submissions from 4 submitters: Uncertain significance (1); Likely benign (3). Last evaluated 2025-09-25.

Conditions:
Propionic acidemia (PROP). Also called: GLYCINEMIA, KETOTIC; HYPERGLYCINEMIA WITH KETOACIDOSIS AND LEUKOPENIA; KETOTIC HYPERGLYCINEMIA. Identifiers: Orphanet 35, MedGen C0268579, MONDO:0011628, OMIM 606054, HP:0003571.

Allele frequency attached by ClinVar (database versions not stated): ExAC 0.00002; gnomAD exomes 0.00002 and 0.00010; gnomAD 0.00005 and 0.00007; TOPMed 0.00006; ESP Exome Variant Server 0.00008.
gnomAD v4.1: 147 of 1,612,838 alleles (0.0091%); highest among the groups gnomAD compares: Non-Finnish European, 0.011%; no homozygotes.

Submissions (4):

Labcorp Genetics (formerly Invitae), Labcorp
Classification: Likely benign for Propionic acidemia. Last evaluated: 2025-09-25. Review status: criteria provided, single submitter. Criteria: Invitae Variant Classification Sherloc (09022015). Collection method: clinical testing. Allele origin: germline.

Mayo Clinic Laboratories, Mayo Clinic
Classification: Likely benign. Last evaluated: 2025-03-10. Review status: criteria provided, single submitter. Criteria: ACMG Guidelines, 2015. Collection method: clinical testing. Allele origin: germline. Observed: 1 variant allele.
Comment: BP4, BP7

GeneDx
Classification: Likely benign. Last evaluated: 2021-06-14. Review status: criteria provided, single submitter. Criteria: GeneDx Variant Classification Process June 2021. Collection method: clinical testing. Allele origin: germline. Affected: yes.

Illumina Laboratory Services, Illumina
Classification: Uncertain significance for Propionic acidemia. Last evaluated: 2018-01-13. Review status: criteria provided, single submitter. Criteria: ICSL Variant Classification Criteria 13 December 2019. Collection method: clinical testing. Allele origin: germline.